The following is an entry in ClinVar:

NM_001144967.3(NEDD4L):c.1346C>T (p.Ser449Leu)

Gene: NEDD4L (NEDD4 like E3 ubiquitin protein ligase; plus strand). Cytogenetic location: 18q21.31.
Variant type: single nucleotide variant.
Coding change: c.1346C>T on transcript NM_001144967.3 (MANE Select); coding-DNA position 1346, C replaced by T.
Protein change: p.Ser449Leu; replaces serine 449 with leucine.
Molecular consequence: missense variant.
Genome position (GRCh38, 1-based): chr18:58,341,766, C>T. VCF-style: chr18-58341766-C-T. GRCh37 (hg19) VCF-style: chr18-56008998-C-T.
Other names: c.983C>T, p.Ser328Leu (NM_001144964.1, NM_001144965.2, NM_001144966.3); c.1322C>T, p.Ser441Leu (NM_001144968.2); c.1262C>T, p.Ser421Leu (NM_001144969.2); c.923C>T, p.Ser308Leu (NM_001144970.3, NM_001144971.2); c.1154C>T, p.Ser385Leu (NM_001243960.2); c.2183C>T, p.Ser728Leu (NM_001437337.1); c.1286C>T, p.Ser429Leu (NM_015277.6); short protein forms S328L, S385L, S728L, S308L, S421L, S429L, S449L, S441L.
Identifiers: ClinVar variation 4992733 (VCV004992733.1).

ClinVar aggregate classification (germline): Uncertain significance (1 of 4 stars; one submission).

Conditions:
NEDD4L-related disorder. Also called: NEDD4L-related condition.

gnomAD v4.1: 2 of 1,613,726 alleles (0.00012%); highest among the groups gnomAD compares: Non-Finnish European, 0.00017%; no homozygotes.

Submission:

PreventionGenetics, part of Exact Sciences
Classification: Uncertain significance for NEDD4L-related condition. Last evaluated: 2025-12-23. Review status: criteria provided, single submitter. Criteria: ACMG Guidelines, 2015. Collection method: clinical testing. Allele origin: germline.
Comment: The NEDD4L c.1286C>T variant is predicted to result in the amino acid substitution p.Ser429Leu. To our knowledge, this variant has not been reported in the literature or in a large population database (gnomAD), indicating this variant is rare. At this time, the clinical significance of this variant is uncertain due to the absence of conclusive functional and genetic evidence.